The following is an entry in ClinVar:

NM_006514.4(SCN10A):c.4282-165G>A

Gene: SCN10A (sodium voltage-gated channel alpha subunit 10; minus strand). Cytogenetic location: 3p22.2.
Variant type: single nucleotide variant.
Coding change: c.4282-165G>A on transcript NM_006514.4 (MANE Select); 165 bases into the intron before coding-DNA position 4282, G replaced by A.
Molecular consequence: intron variant.
Genome position (GRCh38, 1-based): chr3:38,707,548, C>T on the plus strand (G>A on the coding strand, the complement: SCN10A is on the minus strand). VCF-style: chr3-38707548-C-T. GRCh37 (hg19) VCF-style: chr3-38749039-C-T.
Other names: c.3988-165G>A (NM_001293307.2); c.4279-165G>A (NM_001293306.2).
Identifiers: ClinVar variation 673158 (VCV000673158.2), dbSNP rs78376096, ClinGen allele CA72948482.

ClinVar aggregate classification (germline): Benign. Review status: criteria provided, multiple submitters, no conflicts (2 of 4 stars). 2 submissions from 2 submitters: Benign (2). Last evaluated 2018-06-16.

Allele frequency attached by ClinVar (database versions not stated): 1000 Genomes Project 0.03774; 1000 Genomes Project 30x 0.03873; gnomAD 0.04228 and 0.04453; TOPMed 0.04357.
gnomAD v4.1: 6,374 of 152,232 alleles (4.2%); highest among the groups gnomAD compares: African/African-American, 10%; 242 homozygotes.

Submissions (2):

GeneDx
Classification: Benign. Last evaluated: 2018-06-16. Review status: criteria provided, single submitter. Criteria: GeneDx Variant Classification (06012015). Collection method: clinical testing. Allele origin: germline. Affected: yes.
Comment: This variant is considered likely benign or benign based on one or more of the following criteria: it is a conservative change, it occurs at a poorly conserved position in the protein, it is predicted to be benign by multiple in silico algorithms, and/or has population frequency not consistent with disease.

Breakthrough Genomics
Classification: Benign. Review status: criteria provided, single submitter. Criteria: ACMG Guidelines, 2015. Collection method: not provided. Allele origin: germline. Inheritance: Autosomal dominant inheritance. Affected: yes.